The following is an entry in ClinVar:

ClinVar aggregate classification (germline): Uncertain significance. Review status: criteria provided, multiple submitters, no conflicts (2 of 4 stars). 2 submissions from 2 submitters: Uncertain significance (2). Last evaluated 2025-04-07.

Conditions:
GNE myopathy (NM). Also called: INCLUSION BODY MYOPATHY, HEREDITARY, AUTOSOMAL RECESSIVE; INCLUSION BODY MYOPATHY 2, AUTOSOMAL RECESSIVE; MYOPATHY, DISTAL, WITH OR WITHOUT RIMMED VACUOLES; NONAKA DISTAL MYOPATHY; IBM 2; Inclusion body myopathy autosomal recessive. Identifiers: Orphanet 602, MedGen C1853926, MONDO:0011603, OMIM 605820.
Sialuria. Also called: SIALURIA, FRENCH TYPE; Sialic Acid Storage Disease. Identifiers: Orphanet 3166, MedGen C0342853, MONDO:0010028, OMIM 269921.

Allele frequency attached by ClinVar (database versions not stated): TOPMed 0.00001; gnomAD exomes below 0.00001 and 0.00001; gnomAD 0.00001; ExAC 0.00002.
gnomAD v4.1: 9 of 1,614,002 alleles (0.00056%); highest among the groups gnomAD compares: Non-Finnish European, 0.00076%; no homozygotes.

Submissions (2):

Labcorp Genetics (formerly Invitae), Labcorp
Classification: Uncertain significance for Sialuria; GNE myopathy. Last evaluated: 2025-04-07. Review status: criteria provided, single submitter. Criteria: Invitae Variant Classification Sherloc (09022015). Collection method: clinical testing. Allele origin: germline.
Comment: This sequence change replaces glutamic acid, which is acidic and polar, with lysine, which is basic and polar, at codon 66 of the GNE protein (p.Glu66Lys). This variant is present in population databases (rs758157078, gnomAD 0.004%). This missense change has been observed in individual(s) with autosomal recessive GNE-related conditions (PMID: 21307865). This variant is also known as p.E35K. ClinVar contains an entry for this variant (Variation ID: 597097). Invitae Evidence Modeling of protein sequence and biophysical properties (such as structural, functional, and spatial information, amino acid conservation, physicochemical variation, residue mobility, and thermodynamic stability) has been performed for this missense variant. However, the output from this modeling did not meet the statistical confidence thresholds required to predict the impact of this variant on GNE protein function. In summary, the available evidence is currently insufficient to determine the role of this variant in disease. Therefore, it has been classified as a Variant of Uncertain Significance.

Eurofins Ntd Llc (ga)
Classification: Uncertain significance. Last evaluated: 2018-05-09. Review status: criteria provided, single submitter. Criteria: EGL ClinVar v180209 classification definitions. Collection method: clinical testing. Allele origin: germline. Observed: 1 variant allele, 1 heterozygote.

Literature cited by the submitters: PubMed 21307865 (cited by Labcorp Genetics (formerly Invitae), Labcorp).

NM_005476.7(GNE):c.103G>A (p.Glu35Lys)

Gene: GNE (glucosamine (UDP-N-acetyl)-2-epimerase/N-acetylmannosamine kinase; minus strand). Cytogenetic location: 9p13.3.
Variant type: single nucleotide variant.
Coding change: c.103G>A on transcript NM_005476.7 (MANE Select); coding-DNA position 103, G replaced by A.
Protein change: p.Glu35Lys; replaces glutamic acid 35 with lysine.
Molecular consequence: missense variant. On other transcripts: intron variant (3).
Genome position (GRCh38, 1-based): chr9:36,249,253, C>T on the plus strand (G>A on the coding strand, the complement: GNE is on the minus strand). VCF-style: chr9-36249253-C-T. GRCh37 (hg19) VCF-style: chr9-36249250-C-T.
Other names: c.196G>A, p.Glu66Lys (NM_001128227.3); c.103G>A, p.Glu35Lys (NM_001190383.3, NM_001374797.1); c.-13-2771G>A (NM_001190388.2, NM_001190384.3, NM_001374798.1); short protein forms E66K, E35K.
Identifiers: ClinVar variation 597097 (VCV000597097.6), dbSNP rs758157078, ClinGen allele CA5056771.